The following is an entry in ClinVar:

NM_001939.3(DRP2):c.1585C>T (p.Arg529Cys)

Gene: DRP2 (dystrophin related protein 2; plus strand). Cytogenetic location: Xq22.1.
Variant type: single nucleotide variant.
Coding change: c.1585C>T on transcript NM_001939.3 (MANE Select); coding-DNA position 1585, C replaced by T.
Protein change: p.Arg529Cys; replaces arginine 529 with cysteine.
Molecular consequence: missense variant.
Genome position (GRCh38, 1-based): chrX:101,250,467, C>T. VCF-style: chrX-101250467-C-T. GRCh37 (hg19) VCF-style: chrX-100505456-C-T.
Other names: c.1351C>T, p.Arg451Cys (NM_001171184.2); short protein forms R529C, R451C.
Identifiers: ClinVar variation 4733856 (VCV004733856.1).
Genomic context (GRCh38, chrX:101,250,467, plus strand): 5'-ACGGTGGGGCCAGCAGACCTCTTCAGCCAAGTGGCCAACTCAGGCAGCCAGTGTGACCAG[C>T]GCCACCTTGGTGTCCTGCTTCATGAGGCCATTCAGGTGCCCCGTCAGCTGGGTGAAGTGG-3'
Protein context (NP_001930.2, residues 519-539): VANSGSQCDQ[Arg529Cys]HLGVLLHEAI

ClinVar aggregate classification (germline): Uncertain significance (1 of 4 stars; one submission).

gnomAD v4.1: 11 of 1,209,708 alleles (0.00091%); highest among the groups gnomAD compares: African/African-American, 0.0053%; no homozygotes.

Submission:

Labcorp Genetics (formerly Invitae), Labcorp
Classification: Uncertain significance. Last evaluated: 2025-04-26. Review status: criteria provided, single submitter. Criteria: Invitae Variant Classification Sherloc (09022015). Collection method: clinical testing. Allele origin: germline.
Comment: This sequence change replaces arginine, which is basic and polar, with cysteine, which is neutral and slightly polar, at codon 529 of the DRP2 protein (p.Arg529Cys). The frequency data for this variant in the population databases is considered unreliable, as metrics indicate poor data quality at this position in the gnomAD database. This variant has not been reported in the literature in individuals affected with DRP2-related conditions. Invitae Evidence Modeling of protein sequence and biophysical properties (such as structural, functional, and spatial information, amino acid conservation, physicochemical variation, residue mobility, and thermodynamic stability) has been performed for this missense variant. However, the output from this modeling did not meet the statistical confidence thresholds required to predict the impact of this variant on DRP2 protein function. In summary, the available evidence is currently insufficient to determine the role of this variant in disease. Therefore, it has been classified as a Variant of Uncertain Significance.